The following is an entry in ClinVar:

ClinVar aggregate classification (germline): Uncertain significance. Review status: criteria provided, multiple submitters, no conflicts (2 of 4 stars). 3 submissions from 3 submitters: Uncertain significance (3). Last evaluated 2025-08-08.

Conditions:
Hereditary cancer-predisposing syndrome. Also called: Hereditary neoplastic syndrome; Neoplastic Syndromes, Hereditary; Tumor predisposition; Hereditary Cancer Syndrome. Identifiers: Orphanet 140162, MedGen C0027672, MeSH D009386, MONDO:0015356.

Allele frequency attached by ClinVar (database versions not stated): TOPMed 0.00001.
gnomAD v4.1: 2 of 1,613,864 alleles (0.00012%); highest among the groups gnomAD compares: Non-Finnish European, 0.00017%; no homozygotes.

Submissions (3):

Ambry Genetics
Classification: Uncertain significance for Hereditary cancer-predisposing syndrome. Last evaluated: 2025-08-08. Review status: criteria provided, single submitter. Criteria: Ambry Variant Classification Scheme 2023. Collection method: clinical testing. Allele origin: germline.
Comment: The p.D1165Y variant (also known as c.3493G>T), located in coding exon 29 of the POLE gene, results from a G to T substitution at nucleotide position 3493. The aspartic acid at codon 1165 is replaced by tyrosine, an amino acid with highly dissimilar properties. This amino acid position is conserved. In addition, this alteration is predicted to be deleterious by in silico analysis. Since supporting evidence is limited at this time, the clinical significance of this alteration remains unclear.

Labcorp Genetics (formerly Invitae), Labcorp
Classification: Uncertain significance. Last evaluated: 2025-05-30. Review status: criteria provided, single submitter. Criteria: Invitae Variant Classification Sherloc (09022015). Collection method: clinical testing. Allele origin: germline.
Comment: This sequence change replaces aspartic acid, which is acidic and polar, with tyrosine, which is neutral and polar, at codon 1165 of the POLE protein (p.Asp1165Tyr). This variant is not present in population databases (gnomAD no frequency). This variant has not been reported in the literature in individuals affected with POLE-related conditions. ClinVar contains an entry for this variant (Variation ID: 835132). Invitae Evidence Modeling of protein sequence and biophysical properties (such as structural, functional, and spatial information, amino acid conservation, physicochemical variation, residue mobility, and thermodynamic stability) indicates that this missense variant is expected to disrupt POLE protein function with a positive predictive value of 80%. In summary, the available evidence is currently insufficient to determine the role of this variant in disease. Therefore, it has been classified as a Variant of Uncertain Significance.

GeneDx
Classification: Uncertain significance. Last evaluated: 2022-10-24. Review status: criteria provided, single submitter. Criteria: GeneDx Variant Classification Process June 2021. Collection method: clinical testing. Allele origin: germline. Affected: yes.
Comment: Not observed at significant frequency in large population cohorts (gnomAD); In silico analysis supports that this missense variant has a deleterious effect on protein structure/function; Has not been previously published as pathogenic or benign to our knowledge

NM_006231.4(POLE):c.3493G>T (p.Asp1165Tyr)

Gene: POLE (DNA polymerase epsilon, catalytic subunit; minus strand). Cytogenetic location: 12q24.33.
Variant type: single nucleotide variant.
Coding change: c.3493G>T on transcript NM_006231.4 (MANE Select); coding-DNA position 3493, G replaced by T.
Protein change: p.Asp1165Tyr; replaces aspartic acid 1165 with tyrosine.
Molecular consequence: missense variant.
Genome position (GRCh38, 1-based): chr12:132,657,225, C>A on the plus strand (G>T on the coding strand, the complement: POLE is on the minus strand). VCF-style: chr12-132657225-C-A. GRCh37 (hg19) VCF-style: chr12-133233811-C-A.
Other names: c.3493G>T (NM_006231.2); short protein forms D1165Y.
Identifiers: ClinVar variation 835132 (VCV000835132.14), dbSNP rs575738148, ClinGen allele CA387388667.